The following is an entry in ClinVar:

NM_003823.4(TNFRSF6B):c.479C>A (p.Ala160Asp)

Genes: RTEL1-TNFRSF6B (RTEL1-TNFRSF6B readthrough (NMD candidate); plus strand), TNFRSF6B (TNF receptor superfamily member 6b; plus strand). Cytogenetic location: 20q13.33.
Variant type: single nucleotide variant.
Coding change: c.479C>A on transcript NM_003823.4 (MANE Select); coding-DNA position 479, C replaced by A.
Protein change: p.Ala160Asp; replaces alanine 160 with aspartic acid.
Molecular consequence: missense variant. On other transcripts: non-coding transcript variant (1).
Genome position (GRCh38, 1-based): chr20:63,697,382, C>A. VCF-style: chr20-63697382-C-A. GRCh37 (hg19) VCF-style: chr20-62328735-C-A.
Other names: short protein forms A160D.
Identifiers: ClinVar variation 1930000 (VCV001930000.7), dbSNP rs1023632629, ClinGen allele CA317534880.

ClinVar aggregate classification (germline): Uncertain significance. Review status: criteria provided, multiple submitters, no conflicts (2 of 4 stars). 2 submissions from 2 submitters: Uncertain significance (2). Last evaluated 2025-05-04.

Allele frequency attached by ClinVar (database versions not stated): gnomAD 0.00002.
gnomAD v4.1: 12 of 1,612,032 alleles (0.00074%); highest among the groups gnomAD compares: African/African-American, 0.016%; no homozygotes.

Submissions (2):

Ambry Genetics
Classification: Uncertain significance. Last evaluated: 2025-05-04. Review status: criteria provided, single submitter. Criteria: Ambry Variant Classification Scheme 2023. Collection method: clinical testing. Allele origin: germline.

Labcorp Genetics (formerly Invitae), Labcorp
Classification: Uncertain significance. Last evaluated: 2025-01-13. Review status: criteria provided, single submitter. Criteria: Invitae Variant Classification Sherloc (09022015). Collection method: clinical testing. Allele origin: germline.
Comment: This sequence change replaces alanine, which is neutral and non-polar, with aspartic acid, which is acidic and polar, at codon 160 of the TNFRSF6B protein (p.Ala160Asp). The frequency data for this variant in the population databases is considered unreliable, as metrics indicate poor data quality at this position in the gnomAD database. This variant has not been reported in the literature in individuals affected with TNFRSF6B-related conditions. ClinVar contains an entry for this variant (Variation ID: 1930000). An algorithm developed to predict the effect of missense changes on protein structure and function outputs the following: PolyPhen-2: "Benign". The aspartic acid amino acid residue is found in multiple mammalian species, which suggests that this missense change does not adversely affect protein function. In summary, the available evidence is currently insufficient to determine the role of this variant in disease. Therefore, it has been classified as a Variant of Uncertain Significance.